The following is an entry in ClinVar:

ClinVar aggregate classification (germline): Likely benign (0 of 4 stars; one submission).

Conditions:
Polycystic kidney disease. Also called: Kidney, Polycystic; Polycystic kidney dysplasia. Identifiers: MedGen C0022680, MeSH D007690, MONDO:0020642, HP:0000113.

Allele frequency attached by ClinVar (database versions not stated): gnomAD below 0.00001 and 0.00006; TOPMed 0.00001; ExAC 0.00005; gnomAD exomes 0.00007; 1000 Genomes Project 30x 0.00016; 1000 Genomes Project 0.00020.
gnomAD v4.1: 102 of 1,610,336 alleles (0.0063%); highest among the groups gnomAD compares: South Asian, 0.088%; 1 homozygote.

Submission:

Department of Pathology and Laboratory Medicine, Sinai Health System
Classification: Likely benign for Polycystic Kidney disease. Review status: no assertion criteria provided. Collection method: clinical testing. Allele origin: unknown. Affected: yes. Study: The Canadian Open Genetics Repository (COGR).
Comment: The PKD1 p.Pro2802Leu variant was identified in 1 of 116 proband chromosomes (frequency: 0.009) from individuals or families with Autosomal Dominant Polycystic Kidney Disease (Rossetti 2003). The variant was also identified in dbSNP (ID: rs534112936) as â€šÃ„ÃºNAâ€šÃ„Ã¹. The variant was not found in the Clinvitae, ClinVar, GeneInsight COGR, MutDB, ADPKD Mutation Database, PKD1-LOVD, and PKD1-LOVD 3.0 databases. This variant was identified in the 1000 Genomes Project in 6 of 120,000 chromosomes (frequency: 0.00005) the Exome Aggregation Consortium (ExAC) database (released Jan 13, 2015) in 6 of 115124 chromosomes (frequency: 0.00005) of those 5 (0.0003) were South Asian and 1 (0.00001) were European (Non-Finnish), although this low number of observations and low frequency is not substantive enough to determine the prevalence of the variant in the general population and its relationship to disease. The p.Pro2802 residue is conserved in mammals and computational analyses (PolyPhen-2, SIFT, AlignGVGD, BLOSUM, MutationTaster) provide inconsistent predictions regarding the impact to the protein; this information is not very predictive of pathogenicity. The variant occurs outside of the splicing consensus sequence and in silico or computational prediction software programs (SpliceSiteFinder, MaxEntScan, NNSPLICE, GeneSplicer, HumanSpliceFinder) do not predict a difference in splicing. The identification of this variant with a co-occurring pathogenic variant increases the likelihood this variant does not have clinical significance. In summary, based on the above information, the clinical significance of this variant cannot be determined with certainty at this time although we would lean towards a more benign role for this variant. This variant is classified as likely benign.

NM_001009944.3(PKD1):c.8405C>T (p.Pro2802Leu)

Gene: PKD1 (polycystin 1, transient receptor potential channel interacting; minus strand). Cytogenetic location: 16p13.3.
Variant type: single nucleotide variant.
Coding change: c.8405C>T on transcript NM_001009944.3 (MANE Select); coding-DNA position 8405, C replaced by T.
Protein change: p.Pro2802Leu; replaces proline 2802 with leucine.
Molecular consequence: missense variant.
Genome position (GRCh38, 1-based): chr16:2,103,652, G>A on the plus strand (C>T on the coding strand, the complement: PKD1 is on the minus strand). VCF-style: chr16-2103652-G-A. GRCh37 (hg19) VCF-style: chr16-2153653-G-A.
Other names: c.8405C>T, p.Pro2802Leu (NM_000296.4); short protein forms P2802L.
Identifiers: ClinVar variation 433990 (VCV000433990.3), dbSNP rs534112936, ClinGen allele CA7830529.